The following is an entry in ClinVar:

ClinVar aggregate classification (germline): Uncertain significance (1 of 4 stars; one submission).

Allele frequency attached by ClinVar (database versions not stated): gnomAD exomes below 0.00001; TOPMed below 0.00001.
gnomAD v4.1: 7 of 1,613,950 alleles (0.00043%); highest among the groups gnomAD compares: East Asian, 0.0022%; no homozygotes.

Submission:

Labcorp Genetics (formerly Invitae), Labcorp
Classification: Uncertain significance. Last evaluated: 2022-09-07. Review status: criteria provided, single submitter. Criteria: Invitae Variant Classification Sherloc (09022015). Collection method: clinical testing. Allele origin: germline.
Comment: This variant has not been reported in the literature in individuals affected with PCLO-related conditions. This variant is present in population databases (no rsID available, gnomAD 0.006%). This sequence change replaces proline, which is neutral and non-polar, with leucine, which is neutral and non-polar, at codon 261 of the PCLO protein (p.Pro261Leu). Algorithms developed to predict the effect of missense changes on protein structure and function output the following: SIFT: "Tolerated"; PolyPhen-2: "Not Available"; Align-GVGD: "Class C0". The leucine amino acid residue is found in multiple mammalian species, which suggests that this missense change does not adversely affect protein function. In summary, the available evidence is currently insufficient to determine the role of this variant in disease. Therefore, it has been classified as a Variant of Uncertain Significance.

NM_033026.6(PCLO):c.782C>T (p.Pro261Leu)

Gene: PCLO (piccolo presynaptic cytomatrix protein; minus strand). Cytogenetic location: 7q21.11.
Variant type: single nucleotide variant.
Coding change: c.782C>T on transcript NM_033026.6 (MANE Select); coding-DNA position 782, C replaced by T.
Protein change: p.Pro261Leu; replaces proline 261 with leucine.
Molecular consequence: missense variant.
Genome position (GRCh38, 1-based): chr7:83,155,859, G>A on the plus strand (C>T on the coding strand, the complement: PCLO is on the minus strand). VCF-style: chr7-83155859-G-A. GRCh37 (hg19) VCF-style: chr7-82785175-G-A.
Other names: c.782C>T, p.Pro261Leu (NM_014510.3); short protein forms P261L.
Identifiers: ClinVar variation 2133738 (VCV002133738.4), dbSNP rs1049967997, ClinGen allele CA161191457.